The following is an entry in ClinVar:

ClinVar aggregate classification (germline): Conflicting classifications of pathogenicity. Review status: criteria provided, conflicting classifications (1 of 4 stars). 2 submissions from 2 submitters: Uncertain significance (1); Likely benign (1). Last evaluated 2023-03-23.

Conditions:
Hereditary breast ovarian cancer syndrome. Also called: Hereditary breast and/or ovarian cancer syndrome; Hereditary breast and ovarian cancer syndrome; Hereditary breast and ovarian cancer syndrome (HBOC); Breast and ovarian cancer; BRCA1- and BRCA2-Associated Hereditary Breast and Ovarian Cancer; Hereditary breast and ovarian cancer. Identifiers: Orphanet 145, MedGen C0677776, MeSH D061325, MONDO:0003582. Disease mechanism: loss of function.
Hereditary cancer-predisposing syndrome. Also called: Hereditary neoplastic syndrome; Neoplastic Syndromes, Hereditary; Tumor predisposition; Hereditary Cancer Syndrome. Identifiers: Orphanet 140162, MedGen C0027672, MeSH D009386, MONDO:0015356.

Submissions (2):

University of Washington Department of Laboratory Medicine, University of Washington
Classification: Likely benign for Hereditary cancer-predisposing syndrome. Last evaluated: 2023-03-23. Review status: criteria provided, single submitter. Criteria: Dines et al. (Genet Med. 2020). Collection method: curation. Allele origin: germline.
Comment: Missense variant in a coldspot region where missense variants are very unlikely to be pathogenic (PMID:31911673).

BRCA1 coldspot (exon 11 using historical exon numbering). Reclassification based on statistical prior probability

Labcorp Genetics (formerly Invitae), Labcorp
Classification: Uncertain significance for Hereditary breast ovarian cancer syndrome. Last evaluated: 2022-12-31. Review status: criteria provided, single submitter. Criteria: Invitae Variant Classification Sherloc (09022015). Collection method: clinical testing. Allele origin: germline.
Comment: This sequence change replaces valine, which is neutral and non-polar, with isoleucine, which is neutral and non-polar, at codon 626 of the BRCA1 protein (p.Val626Ile). This variant is not present in population databases (gnomAD no frequency). This variant has not been reported in the literature in individuals affected with BRCA1-related conditions. ClinVar contains an entry for this variant (Variation ID: 946745). Advanced modeling of protein sequence and biophysical properties (such as structural, functional, and spatial information, amino acid conservation, physicochemical variation, residue mobility, and thermodynamic stability) performed at Invitae indicates that this missense variant is not expected to disrupt BRCA1 protein function. In summary, the available evidence is currently insufficient to determine the role of this variant in disease. Therefore, it has been classified as a Variant of Uncertain Significance.

NM_007294.4(BRCA1):c.1876G>A (p.Val626Ile)

Gene: BRCA1 (BRCA1 DNA repair associated; minus strand). Cytogenetic location: 17q21.31.
Variant type: single nucleotide variant.
Coding change: c.1876G>A on transcript NM_007294.4 (MANE Select); coding-DNA position 1876, G replaced by A.
Protein change: p.Val626Ile; replaces valine 626 with isoleucine.
Molecular consequence: missense variant. On other transcripts: intron variant (137).
Genome position (GRCh38, 1-based): chr17:43,093,655, C>T on the plus strand (G>A on the coding strand, the complement: BRCA1 is on the minus strand). VCF-style: chr17-43093655-C-T. GRCh37 (hg19) VCF-style: chr17-41245672-C-T.
Other names: c.784+1089G>A (NM_001407992.1, NM_001408400.1, NM_001408392.1 and 13 more transcripts); c.664+1089G>A (NM_001408440.1, NM_001408428.1, NM_001408442.1 and 12 more transcripts); c.787+1089G>A (NM_001407977.1, NM_001407982.1, NM_001407970.1 and 19 more transcripts); c.646+1089G>A (NM_001408410.1, NM_001408458.1, NM_001408469.1 and 11 more transcripts); c.709+1089G>A (NM_001408415.1, NM_001408414.1, NM_001408411.1 and 2 more transcripts); c.577+1089G>A (NM_001408483.1, NM_001408514.1, NM_001408485.1 and 9 more transcripts); c.643+1089G>A (NM_001408462.1, NM_001408470.1, NM_001408464.1 and 3 more transcripts); c.661+1089G>A (NM_001408447.1, NM_001408433.1, NM_001408446.1 and 6 more transcripts); and 40 more; short protein forms V626I, V579I, V537I, V558I, V599I, V625I, V499I, V514I.
Identifiers: ClinVar variation 946745 (VCV000946745.13), dbSNP rs2053869047, ClinGen allele CA10598269.
Genomic context (GRCh38, chr17:43,093,655, plus strand): 5'-TAGAACAACTATCAATTTGCAATTCAGTACAATTAGGTGGGCTTAGATTTCTACTGACTA[C>T]TAGTTCAAGCGCATGAATATGCCTGGTAGAAGACTTCCTCCTCAGCCTATTCTTTTTAGG-3'
Protein context (NP_009225.1, residues 616-636): STRHIHALEL[Val626Ile]VSRNLSPPNC